The following is an entry in ClinVar:

ClinVar aggregate classification (germline): Likely benign. Review status: criteria provided, multiple submitters, no conflicts (2 of 4 stars). 4 submissions from 4 submitters: Likely benign (3). 1 of the submissions does not count toward it. Last evaluated 2024-10-22.

Conditions:
Autosomal recessive limb-girdle muscular dystrophy type 2Q (LGMDR17). Also called: MUSCULAR DYSTROPHY, LIMB-GIRDLE, AUTOSOMAL RECESSIVE 17. Identifiers: Orphanet 254361, MedGen C3150989, MONDO:0013390, OMIM 613723.
Epidermolysis bullosa simplex 5C, with pyloric atresia (EBS5C). Also called: PLEC1-Related Epidermolysis Bullosa with Pyloric Atresia; PLEC-Related Epidermolysis Bullosa with Pyloric Atresia; Epidermolysis bullosa simplex with pyloric atresia. Identifiers: Orphanet 158684, MedGen C2677349, MONDO:0012807, OMIM 612138.
Epidermolysis bullosa simplex with nail dystrophy (EBS5D). Identifiers: MedGen C4225309, MONDO:0014661, OMIM 616487.
Epidermolysis bullosa simplex, Ogna type (EBS5A). Also called: Pidermolysis bullosa simplex 5A, Ogna type; EPIDERMOLYSIS BULLOSA SIMPLEX 5A, OGNA TYPE. Identifiers: Orphanet 79401, MedGen C0432317, MONDO:0007555, OMIM 131950.
Epidermolysis bullosa simplex 5B, with muscular dystrophy (EBS5B). Also called: Epidermolysis bullosa simplex with muscular dystrophy; EPIDERMOLYSIS BULLOSA SIMPLEX AND LIMB-GIRDLE MUSCULAR DYSTROPHY. Identifiers: Orphanet 257, MedGen C2931072, MONDO:0009181, OMIM 226670.
PLEC-related disorder. Also called: PLEC-related disorders; PLEC-related condition.

Allele frequency attached by ClinVar (database versions not stated): gnomAD 0.00011 and 0.00012; TOPMed 0.00014; ESP Exome Variant Server 0.00024.
gnomAD v4.1: 97 of 1,609,732 alleles (0.006%); highest among the groups gnomAD compares: Middle Eastern, 0.13%; no homozygotes.

Submissions (4):

Blueprint Genetics
Classification: Likely benign. Last evaluated: 2024-10-22. Review status: criteria provided, single submitter. Criteria: ACMG Guidelines, 2015. Collection method: clinical testing. Allele origin: germline.

Labcorp Genetics (formerly Invitae), Labcorp
Classification: Likely benign for Autosomal recessive limb-girdle muscular dystrophy type 2Q; Epidermolysis bullosa simplex, Ogna type; Epidermolysis bullosa simplex with nail dystrophy; Epidermolysis bullosa simplex 5C, with pyloric atresia; Epidermolysis bullosa simplex 5B, with muscular dystrophy. Last evaluated: 2024-05-07. Review status: criteria provided, single submitter. Criteria: Invitae Variant Classification Sherloc (09022015). Collection method: clinical testing. Allele origin: germline.

GeneDx
Classification: Likely benign. Last evaluated: 2017-10-06. Review status: criteria provided, single submitter. Criteria: GeneDx Variant Classification (06012015). Collection method: clinical testing. Allele origin: germline. Affected: yes.
Comment: This variant is considered likely benign or benign based on one or more of the following criteria: it is a conservative change, it occurs at a poorly conserved position in the protein, it is predicted to be benign by multiple in silico algorithms, and/or has population frequency not consistent with disease.

PreventionGenetics, part of Exact Sciences
Classification: Likely benign for PLEC-related condition. Last evaluated: 2019-06-28. Review status: no assertion criteria provided. Collection method: clinical testing. Allele origin: germline. Not counted in ClinVar's aggregate classification.
Comment: This variant is classified as likely benign based on ACMG/AMP sequence variant interpretation guidelines (Richards et al. 2015 PMID: 25741868, with internal and published modifications).

NM_201384.3(PLEC):c.6510T>C (p.His2170=)

Gene: PLEC (plectin; minus strand). Cytogenetic location: 8q24.3.
Variant type: single nucleotide variant.
Coding change: c.6510T>C on transcript NM_201384.3 (MANE Select); coding-DNA position 6510, T replaced by C.
Protein change: p.His2170=; no amino-acid change (histidine 2170 retained).
Molecular consequence: synonymous variant.
Genome position (GRCh38, 1-based): chr8:143,923,419, A>G on the plus strand (T>C on the coding strand, the complement: PLEC is on the minus strand). VCF-style: chr8-143923419-A-G. GRCh37 (hg19) VCF-style: chr8-144997587-A-G.
Other names: c.6591T>C, p.His2197= (NM_000445.5); c.6468T>C, p.His2156= (NM_201378.4); c.6444T>C, p.His2148= (NM_201379.3); c.6921T>C, p.His2307= (NM_201380.4); c.6414T>C, p.His2138= (NM_201381.3); c.6510T>C, p.His2170= (NM_201382.4); c.6522T>C, p.His2174= (NM_201383.3).
Identifiers: ClinVar variation 389068 (VCV000389068.14), dbSNP rs375106164, ClinGen allele CA4925962.